The following is an entry in ClinVar:

NM_005477.3(HCN4):c.2284G>A (p.Ala762Thr)

Gene: HCN4 (hyperpolarization activated cyclic nucleotide gated potassium channel 4; minus strand). Cytogenetic location: 15q24.1.
Variant type: single nucleotide variant.
Coding change: c.2284G>A on transcript NM_005477.3 (MANE Select); coding-DNA position 2284, G replaced by A.
Protein change: p.Ala762Thr; replaces alanine 762 with threonine.
Molecular consequence: missense variant.
Genome position (GRCh38, 1-based): chr15:73,323,809, C>T on the plus strand (G>A on the coding strand, the complement: HCN4 is on the minus strand). VCF-style: chr15-73323809-C-T. GRCh37 (hg19) VCF-style: chr15-73616150-C-T.
Other names: short protein forms A762T.
Identifiers: ClinVar variation 1963194 (VCV001963194.5), dbSNP rs1456839039, ClinGen allele CA393089190.

ClinVar aggregate classification (germline): Uncertain significance (1 of 4 stars; one submission).

Conditions:
Brugada syndrome 8 (BRGDA8). Identifiers: Orphanet 130, MedGen C2751083, MONDO:0013148, OMIM 613123.

Allele frequency attached by ClinVar (database versions not stated): gnomAD exomes below 0.00001; TOPMed below 0.00001.
gnomAD v4.1: 1 of 1,607,122 alleles (0.000062%); highest among the groups gnomAD compares: Non-Finnish European, 0.000085%; no homozygotes.

Submission:

Labcorp Genetics (formerly Invitae), Labcorp
Classification: Uncertain significance for Brugada syndrome 8. Last evaluated: 2022-06-10. Review status: criteria provided, single submitter. Criteria: Invitae Variant Classification Sherloc (09022015). Collection method: clinical testing. Allele origin: germline.
Comment: In summary, the available evidence is currently insufficient to determine the role of this variant in disease. Therefore, it has been classified as a Variant of Uncertain Significance. Advanced modeling of protein sequence and biophysical properties (such as structural, functional, and spatial information, amino acid conservation, physicochemical variation, residue mobility, and thermodynamic stability) performed at Invitae indicates that this missense variant is not expected to disrupt HCN4 protein function. This variant has not been reported in the literature in individuals affected with HCN4-related conditions. This variant is not present in population databases (gnomAD no frequency). This sequence change replaces alanine, which is neutral and non-polar, with threonine, which is neutral and polar, at codon 762 of the HCN4 protein (p.Ala762Thr).